The following is an entry in ClinVar:

NM_001376.5(DYNC1H1):c.9554A>G (p.Asn3185Ser)

Gene: DYNC1H1 (dynein cytoplasmic 1 heavy chain 1; plus strand). Cytogenetic location: 14q32.31.
Variant type: single nucleotide variant.
Coding change: c.9554A>G on transcript NM_001376.5 (MANE Select); coding-DNA position 9554, A replaced by G.
Protein change: p.Asn3185Ser; replaces asparagine 3185 with serine.
Molecular consequence: missense variant.
Genome position (GRCh38, 1-based): chr14:102,029,624, A>G. VCF-style: chr14-102029624-A-G. GRCh37 (hg19) VCF-style: chr14-102495961-A-G.
Other names: short protein forms N3185S.
Identifiers: ClinVar variation 1767367 (VCV001767367.5), dbSNP rs1311056505, ClinGen allele CA391015765.

ClinVar aggregate classification (germline): Uncertain significance. Review status: criteria provided, multiple submitters, no conflicts (2 of 4 stars). 2 submissions from 2 submitters: Uncertain significance (2). Last evaluated 2026-06-03.

Conditions:
Inborn genetic diseases. Identifiers: MedGen C0950123, MeSH D030342.
Charcot-Marie-Tooth disease axonal type 2O. Also called: CHARCOT-MARIE-TOOTH NEUROPATHY, AXONAL, TYPE 2O; CHARCOT-MARIE-TOOTH DISEASE, AXONAL, AUTOSOMAL DOMINANT, TYPE 2O; Charcot-Marie-Tooth Neuropathy Type 2O; Charcot-Marie-Tooth disease, axonal, type 20. Identifiers: Orphanet 284232, MedGen C3280220, MONDO:0013644, OMIM 614228.

gnomAD v4.1: 10 of 1,614,108 alleles (0.00062%); highest among the groups gnomAD compares: East Asian, 0.0022%; no homozygotes.

Submissions (2):

Ambry Genetics
Classification: Uncertain significance for Inborn genetic diseases. Last evaluated: 2026-06-03. Review status: criteria provided, single submitter. Criteria: Ambry Variant Classification Scheme 2023. Collection method: clinical testing. Allele origin: germline.

Labcorp Genetics (formerly Invitae), Labcorp
Classification: Uncertain significance for Charcot-Marie-Tooth disease axonal type 2O. Last evaluated: 2023-07-14. Review status: criteria provided, single submitter. Criteria: Invitae Variant Classification Sherloc (09022015). Collection method: clinical testing. Allele origin: germline.
Comment: In summary, the available evidence is currently insufficient to determine the role of this variant in disease. Therefore, it has been classified as a Variant of Uncertain Significance. Algorithms developed to predict the effect of sequence changes on RNA splicing suggest that this variant may create or strengthen a splice site. Advanced modeling of protein sequence and biophysical properties (such as structural, functional, and spatial information, amino acid conservation, physicochemical variation, residue mobility, and thermodynamic stability) performed at Invitae indicates that this missense variant is not expected to disrupt DYNC1H1 protein function. ClinVar contains an entry for this variant (Variation ID: 1767367). This variant has not been reported in the literature in individuals affected with DYNC1H1-related conditions. This variant is not present in population databases (gnomAD no frequency). This sequence change replaces asparagine, which is neutral and polar, with serine, which is neutral and polar, at codon 3185 of the DYNC1H1 protein (p.Asn3185Ser).